The following is an entry in ClinVar:

ClinVar aggregate classification (germline): Uncertain significance (1 of 4 stars; one submission).

Conditions:
Familial cancer of breast. Also called: Hereditary breast cancer; BREAST CANCER, FAMILIAL; hereditary breast carcinoma. Identifiers: Orphanet 227535, MedGen C0346153, MONDO:0016419, OMIM 114480. Disease mechanism: loss of function.

Submission:

Labcorp Genetics (formerly Invitae), Labcorp
Classification: Uncertain significance for Familial cancer of breast. Last evaluated: 2021-09-16. Review status: criteria provided, single submitter. Criteria: Invitae Variant Classification Sherloc (09022015). Collection method: clinical testing. Allele origin: germline.
Comment: Algorithms developed to predict the effect of missense changes on protein structure and function are either unavailable or do not agree on the potential impact of this missense change (SIFT: "Deleterious"; PolyPhen-2: "Benign"; Align-GVGD: "Class C0"). In summary, the available evidence is currently insufficient to determine the role of this variant in disease. Therefore, it has been classified as a Variant of Uncertain Significance. This sequence change replaces cysteine with phenylalanine at codon 539 of the CHEK2 protein (p.Cys539Phe). The cysteine residue is moderately conserved and there is a large physicochemical difference between cysteine and phenylalanine. This variant is not present in population databases (ExAC no frequency). This variant has not been reported in the literature in individuals affected with CHEK2-related conditions.

NM_007194.4(CHEK2):c.1616G>T (p.Cys539Phe)

Gene: CHEK2 (checkpoint kinase 2; minus strand). Cytogenetic location: 22q12.1.
Variant type: single nucleotide variant.
Coding change: c.1616G>T on transcript NM_007194.4 (MANE Select); coding-DNA position 1616, G replaced by T.
Protein change: p.Cys539Phe; replaces cysteine 539 with phenylalanine.
Molecular consequence: missense variant.
Genome position (GRCh38, 1-based): chr22:28,687,913, C>A on the plus strand (G>T on the coding strand, the complement: CHEK2 is on the minus strand). VCF-style: chr22-28687913-C-A. GRCh37 (hg19) VCF-style: chr22-29083901-C-A.
Other names: c.1745G>T, p.Cys582Phe (NM_001005735.3); c.953G>T, p.Cys318Phe (NM_001257387.3); c.1415G>T, p.Cys472Phe (NM_001349956.3); c.1529G>T, p.Cys510Phe (NM_145862.3); short protein forms C539F, C318F, C472F, C582F, C510F.
Identifiers: ClinVar variation 1381609 (VCV001381609.7), dbSNP rs1569101993, ClinGen allele CA411090996.
Genomic context (GRCh38, chr22:28,687,913, plus strand): 5'-AGAGTGAAAGAAGGTACATTTCTTTCGTGTTCAAACCACGGAGTTCACAACACAGCAGCA[C>A]ACACAGCTGGGCGCTTTGTGGTCTCGGCACCCTCGGCTTCCCCTTCACGGGGCCGCTTTC-3'
Protein context (NP_009125.1, residues 529-543): GAETTKRPAV[Cys539Phe]AAVL